The following is an entry in ClinVar:

NM_022489.4(INF2):c.1314TCCCCC[3] (p.Pro445_Leu446insProPro)

Gene: INF2 (inverted formin 2; plus strand). Cytogenetic location: 14q32.33.
Variant type: Microsatellite.
Coding change: c.1314TCCCCC[3] on transcript NM_022489.4 (MANE Select); three copies in a row of the 6-base unit TCCCCC starting at c.1314; the reference has two copies in a row; one copy, 6 bases duplicated.
Protein change: p.Pro445_Leu446insProPro.
Molecular consequence: inframe insertion. On other transcripts: inframe indel (4).
Genome position (GRCh38, 1-based): chr14:104,707,587-104,707,592, TCCCCC duplicated; duplicating any 6 consecutive bases within chr14:104,707,576-104,707,592 gives the same sequence; the position shown is the placement nearest the transcript's 3' end. VCF-style (leftmost placement, unchanged base first): chr14-104707575-G-GCCCCCT. GRCh37 (hg19) VCF-style: chr14-105173912-G-GCCCCCT.
Other names: c.1314TCCCCC[3], p.Pro445_Leu446insProPro (NM_001031714.4); c.1314_1319TCCCCC[3], p.Pro445_Leu446insProPro (NM_001426862.1, NM_001426863.1, NM_001426864.1 and 1 more transcripts).
Identifiers: ClinVar variation 2924464 (VCV002924464.3), dbSNP rs980563049, ClinGen allele CA966914048.

ClinVar aggregate classification (germline): Uncertain significance (1 of 4 stars; one submission).

Conditions:
Focal segmental glomerulosclerosis 5 (FSGS5). Identifiers: Orphanet 656, MedGen C2750475, MONDO:0013191, OMIM 613237.
Charcot-Marie-Tooth disease dominant intermediate E. Also called: CHARCOT-MARIE-TOOTH NEUROPATHY WITH FOCAL SEGMENTAL GLOMERULONEPHRITIS. Identifiers: Orphanet 93114, MedGen C4302667, MONDO:0013758, OMIM 614455.

Submission:

Labcorp Genetics (formerly Invitae), Labcorp
Classification: Uncertain significance for Charcot-Marie-Tooth disease dominant intermediate E; Focal segmental glomerulosclerosis 5. Last evaluated: 2023-09-29. Review status: criteria provided, single submitter. Criteria: Invitae Variant Classification Sherloc (09022015). Collection method: clinical testing. Allele origin: germline.
Comment: This variant, c.1320_1325dup, results in the insertion of 2 amino acid(s) of the INF2 protein (p.Pro444_Pro445dup), but otherwise preserves the integrity of the reading frame. This variant is not present in population databases (gnomAD no frequency). This variant has not been reported in the literature in individuals affected with INF2-related conditions. In summary, the available evidence is currently insufficient to determine the role of this variant in disease. Therefore, it has been classified as a Variant of Uncertain Significance.